The following is an entry in ClinVar:

ClinVar aggregate classification (germline): Uncertain significance. Review status: criteria provided, multiple submitters, no conflicts (2 of 4 stars). 3 submissions from 3 submitters: Uncertain significance (3). Last evaluated 2025-02-28.

Conditions:
Severe combined immunodeficiency, autosomal recessive, T cell-negative, B cell-negative, NK cell-negative, due to adenosine deaminase deficiency. Also called: ADA deficiency; SCID DUE TO ADA DEFICIENCY; SCID DUE TO ADA DEFICIENCY, EARLY-ONSET; Adenosine deaminase deficient severe combined immunodeficiency; Severe combined immunodeficiency due to ADA deficiency; Adenosine Deaminase Deficiency. Identifiers: Orphanet 277, MedGen C0392607, MONDO:0007064, OMIM 102700.

Allele frequency attached by ClinVar (database versions not stated): gnomAD exomes below 0.00001.
gnomAD v4.1: 2 of 1,614,228 alleles (0.00012%); highest among the groups gnomAD compares: Admixed American, 0.0033%; no homozygotes.

Submissions (3):

Women's Health and Genetics/Laboratory Corporation of America, LabCorp
Classification: Uncertain significance. Last evaluated: 2025-02-28. Review status: criteria provided, single submitter. Criteria: LabCorp Variant Classification Summary - May 2015. Collection method: clinical testing. Allele origin: germline.

Labcorp Genetics (formerly Invitae), Labcorp
Classification: Uncertain significance for Severe combined immunodeficiency, autosomal recessive, T cell-negative, B cell-negative, NK cell-negative, due to adenosine deaminase deficiency. Last evaluated: 2022-07-20. Review status: criteria provided, single submitter. Criteria: Invitae Variant Classification Sherloc (09022015). Collection method: clinical testing. Allele origin: germline.
Comment: This sequence change falls in intron 8 of the ADA gene. It does not directly change the encoded amino acid sequence of the ADA protein. It affects a nucleotide within the consensus splice site. This variant is present in population databases (no rsID available, gnomAD 0.006%). This variant has not been reported in the literature in individuals affected with ADA-related conditions. Variants that disrupt the consensus splice site are a relatively common cause of aberrant splicing (PMID: 17576681, 9536098). Algorithms developed to predict the effect of sequence changes on RNA splicing suggest that this variant is not likely to affect RNA splicing. In summary, the available evidence is currently insufficient to determine the role of this variant in disease. Therefore, it has been classified as a Variant of Uncertain Significance.

Breakthrough Genomics
Classification: Uncertain significance. Review status: criteria provided, single submitter. Criteria: ACMG Guidelines, 2015. Collection method: not provided. Allele origin: germline. Inheritance: Autosomal dominant inheritance. Affected: yes.

Literature cited by the submitters: PubMed 17576681 (cited by Labcorp Genetics (formerly Invitae), Labcorp); PubMed 9536098 (cited by Labcorp Genetics (formerly Invitae), Labcorp).

NM_000022.4(ADA):c.780+4A>G

Gene: ADA (adenosine deaminase; minus strand). Cytogenetic location: 20q13.12.
Variant type: single nucleotide variant.
Coding change: c.780+4A>G on transcript NM_000022.4 (MANE Select); 4 bases into the intron after coding-DNA position 780, A replaced by G.
Molecular consequence: intron variant.
Genome position (GRCh38, 1-based): chr20:44,622,825, T>C on the plus strand (A>G on the coding strand, the complement: ADA is on the minus strand). VCF-style: chr20-44622825-T-C. GRCh37 (hg19) VCF-style: chr20-43251466-T-C.
Other names: c.375+4A>G (NM_001322050.2); c.708+4A>G (NM_001322051.2).
Identifiers: ClinVar variation 2147505 (VCV002147505.3), dbSNP rs1442953086, ClinGen allele CA635979444.